The following is an entry in ClinVar:

ClinVar aggregate classification (germline): Uncertain significance (1 of 4 stars; one submission).

Conditions:
Epileptic encephalopathy. Identifiers: MedGen C0543888, HP:0200134.

Submission:

Labcorp Genetics (formerly Invitae), Labcorp
Classification: Uncertain significance for Epileptic encephalopathy. Last evaluated: 2022-02-10. Review status: criteria provided, single submitter. Criteria: Invitae Variant Classification Sherloc (09022015). Collection method: clinical testing. Allele origin: germline.
Comment: In summary, the available evidence is currently insufficient to determine the role of this variant in disease. Therefore, it has been classified as a Variant of Uncertain Significance. Algorithms developed to predict the effect of missense changes on protein structure and function are either unavailable or do not agree on the potential impact of this missense change (SIFT: "Deleterious"; PolyPhen-2: "Benign"; Align-GVGD: "Class C0"). This variant has not been reported in the literature in individuals affected with FASN-related conditions. This variant is not present in population databases (gnomAD no frequency). This sequence change replaces glutamine, which is neutral and polar, with leucine, which is neutral and non-polar, at codon 2324 of the FASN protein (p.Gln2324Leu).

NM_004104.5(FASN):c.6971A>T (p.Gln2324Leu)

Gene: FASN (fatty acid synthase; minus strand). Cytogenetic location: 17q25.3.
Variant type: single nucleotide variant.
Coding change: c.6971A>T on transcript NM_004104.5 (MANE Select); coding-DNA position 6971, A replaced by T.
Protein change: p.Gln2324Leu; replaces glutamine 2324 with leucine.
Molecular consequence: missense variant.
Genome position (GRCh38, 1-based): chr17:82,080,446, T>A on the plus strand (A>T on the coding strand, the complement: FASN is on the minus strand). VCF-style: chr17-82080446-T-A. GRCh37 (hg19) VCF-style: chr17-80038322-T-A.
Other names: short protein forms Q2324L.
Identifiers: ClinVar variation 1400266 (VCV001400266.8), dbSNP rs2033966480, ClinGen allele CA401598036.
Genomic context (GRCh38, chr17:82,080,446, plus strand): 5'-ACGTAGGTGGGCGAGCCGTCGAACAGGAAGAGGCTGTTGTGGGTGGGGGCTGGGCTCTGC[T>A]GGGCCTGCAGCTGGGAGCACATTTCAAAGGCCACGCAGGCCCCGTAGGAGTAGCCGGCCA-3'
Protein context (NP_004095.4, residues 2314-2334): AFEMCSQLQA[Gln2324Leu]QSPAPTHNSL